The following is an entry in ClinVar:

ClinVar aggregate classification (germline): Uncertain significance (1 of 4 stars; one submission).

Allele frequency attached by ClinVar (database versions not stated): gnomAD exomes below 0.00001; TOPMed below 0.00001.
gnomAD v4.1: 3 of 1,614,204 alleles (0.00019%); highest among the groups gnomAD compares: Admixed American, 0.0017%; no homozygotes.

Submission:

Labcorp Genetics (formerly Invitae), Labcorp
Classification: Uncertain significance. Last evaluated: 2022-02-02. Review status: criteria provided, single submitter. Criteria: Invitae Variant Classification Sherloc (09022015). Collection method: clinical testing. Allele origin: germline.
Comment: In summary, the available evidence is currently insufficient to determine the role of this variant in disease. Therefore, it has been classified as a Variant of Uncertain Significance. Algorithms developed to predict the effect of missense changes on protein structure and function are either unavailable or do not agree on the potential impact of this missense change (SIFT: "Deleterious"; PolyPhen-2: "Probably Damaging"; Align-GVGD: "Class C0"). This sequence change replaces glutamic acid, which is acidic and polar, with lysine, which is basic and polar, at codon 22 of the TUBA8 protein (p.Glu22Lys). This variant is present in population databases (no rsID available, gnomAD 0.003%). This variant has not been reported in the literature in individuals affected with TUBA8-related conditions.

NM_018943.3(TUBA8):c.64G>A (p.Glu22Lys)

Gene: TUBA8 (tubulin alpha 8; plus strand). Cytogenetic location: 22q11.21.
Variant type: single nucleotide variant.
Coding change: c.64G>A on transcript NM_018943.3 (MANE Select); coding-DNA position 64, G replaced by A.
Protein change: p.Glu22Lys; replaces glutamic acid 22 with lysine.
Molecular consequence: missense variant. On other transcripts: 5 prime UTR variant (1).
Genome position (GRCh38, 1-based): chr22:18,121,539, G>A. VCF-style: chr22-18121539-G-A. GRCh37 (hg19) VCF-style: chr22-18604306-G-A.
Other names: c.-135G>A (NM_001193414.2); short protein forms E22K.
Identifiers: ClinVar variation 2087867 (VCV002087867.4), dbSNP rs1216995134, ClinGen allele CA410261408.